The following is an entry in ClinVar:

NM_003283.6(TNNT1):c.792-114C>T

Gene: TNNT1 (troponin T1, slow skeletal type; minus strand). Cytogenetic location: 19q13.42.
Variant type: single nucleotide variant.
Coding change: c.792-114C>T on transcript NM_003283.6 (MANE Select); 114 bases into the intron before coding-DNA position 792, C replaced by T.
Molecular consequence: intron variant.
Genome position (GRCh38, 1-based): chr19:55,133,074, G>A on the plus strand (C>T on the coding strand, the complement: TNNT1 is on the minus strand). VCF-style: chr19-55133074-G-A. GRCh37 (hg19) VCF-style: chr19-55644442-G-A.
Other names: c.711-114C>T (NM_001126133.3, NM_001291774.2); c.744-114C>T (NM_001126132.3).
Identifiers: ClinVar variation 31858 (VCV000031858.5), dbSNP rs891186, ClinGen allele CA215416.
Genomic context (GRCh38, chr19:55,133,074, plus strand): 5'-TGGGCCCCAGGCCCTCAATTCAGGAAGCCCATTCCCCAAAATATTAGCCCTCCCTGCCCA[G>A]AGGAAGCAGTGAGCAAAACAACTGTCACCTCTTTTGGGTTCTATGACTGGGGGGCAGCGG-3'

ClinVar aggregate classification (germline): Benign. Review status: criteria provided, multiple submitters, no conflicts (2 of 4 stars). 3 submissions from 3 submitters: Benign (2). 1 of the submissions does not count toward it. Last evaluated 2018-06-18.

Allele frequency attached by ClinVar (database versions not stated): gnomAD 0.22262 and 0.23235; gnomAD exomes 0.26392; 1000 Genomes Project 0.28235; TOPMed 0.22099; 1000 Genomes Project 30x 0.27701.
gnomAD v4.1: 253,238 of 977,532 alleles (26%); highest among the groups gnomAD compares: South Asian, 42%; 35,289 homozygotes.

Submissions (3):

GeneDx
Classification: Benign. Last evaluated: 2018-06-18. Review status: criteria provided, single submitter. Criteria: GeneDx Variant Classification (06012015). Collection method: clinical testing. Allele origin: germline. Affected: yes.
Comment: This variant is considered likely benign or benign based on one or more of the following criteria: it is a conservative change, it occurs at a poorly conserved position in the protein, it is predicted to be benign by multiple in silico algorithms, and/or has population frequency not consistent with disease.

Breakthrough Genomics
Classification: Benign. Review status: criteria provided, single submitter. Criteria: ACMG Guidelines, 2015. Collection method: not provided. Allele origin: germline. Inheritance: Autosomal recessive inheritance. Affected: yes.

Leiden Muscular Dystrophy (TNNT1)
No classification provided. Last evaluated: 2012-03-18. Review status: no classification provided. Collection method: curation. Allele origin: germline. Not counted in ClinVar's aggregate classification.